The following is an entry in ClinVar:

ClinVar aggregate classification (germline): Uncertain significance. Review status: criteria provided, single submitter (1 of 4 stars). 2 submissions from 2 submitters: Uncertain significance (1). 1 of the submissions does not count toward it. Last evaluated 2022-07-03.

Conditions:
Prostate cancer, hereditary, 1 (HPC1). Identifiers: Orphanet 1331, MedGen C4722327, MONDO:0011098, OMIM 601518.

Submissions (2):

Labcorp Genetics (formerly Invitae), Labcorp
Classification: Uncertain significance. Last evaluated: 2022-07-03. Review status: criteria provided, single submitter. Criteria: Invitae Variant Classification Sherloc (09022015). Collection method: clinical testing. Allele origin: germline.
Comment: This variant has not been reported in the literature in individuals affected with HOXB13-related conditions. ClinVar contains an entry for this variant (Variation ID: 690975). Algorithms developed to predict the effect of missense changes on protein structure and function (SIFT, PolyPhen-2, Align-GVGD) all suggest that this variant is likely to be tolerated. In summary, the available evidence is currently insufficient to determine the role of this variant in disease. Therefore, it has been classified as a Variant of Uncertain Significance. This sequence change replaces alanine, which is neutral and non-polar, with proline, which is neutral and non-polar, at codon 29 of the HOXB13 protein (p.Ala29Pro). This variant is not present in population databases (gnomAD no frequency).

Laboratory of Virology, Microbiology,  Quality and Medical Biotechnologies, Faculty of Sciences and Techniques - Mohammedia, Hassan II University of Casablanca
Classification: Uncertain significance for Prostate cancer, hereditary, 1. Review status: no assertion criteria provided. Collection method: clinical testing. Allele origin: somatic. Affected: yes. Not counted in ClinVar's aggregate classification.

NM_006361.6(HOXB13):c.85G>C (p.Ala29Pro)

Gene: HOXB13 (homeobox B13; minus strand). Cytogenetic location: 17q21.32.
Variant type: single nucleotide variant.
Coding change: c.85G>C on transcript NM_006361.6 (MANE Select); coding-DNA position 85, G replaced by C.
Protein change: p.Ala29Pro; replaces alanine 29 with proline.
Molecular consequence: missense variant.
Genome position (GRCh38, 1-based): chr17:48,728,509, C>G on the plus strand (G>C on the coding strand, the complement: HOXB13 is on the minus strand). VCF-style: chr17-48728509-C-G. GRCh37 (hg19) VCF-style: chr17-46805871-C-G.
Other names: short protein forms A29P.
Identifiers: ClinVar variation 690975 (VCV000690975.6), dbSNP rs756970136, ClinGen allele CA400109500.